The following is an entry in ClinVar:

ClinVar aggregate classification (germline): Uncertain significance (1 of 4 stars; one submission).

gnomAD v4.1: 37 of 1,613,916 alleles (0.0023%); highest among the groups gnomAD compares: Admixed American, 0.017%; no homozygotes.

Submission:

Labcorp Genetics (formerly Invitae), Labcorp
Classification: Uncertain significance. Last evaluated: 2025-11-19. Review status: criteria provided, single submitter. Criteria: Invitae Variant Classification Sherloc (09022015). Collection method: clinical testing. Allele origin: germline.
Comment: This sequence change replaces proline, which is neutral and non-polar, with leucine, which is neutral and non-polar, at codon 1224 of the ANK3 protein (p.Pro1224Leu). This variant is present in population databases (no rsID available, gnomAD 0.01%). This missense change has been observed in individual(s) with clinical features of ANK3-related conditions (PMID: 38988293). In at least one individual the data is consistent with being in trans (on the opposite chromosome) from a pathogenic variant. Invitae Evidence Modeling of protein sequence and biophysical properties (such as structural, functional, and spatial information, amino acid conservation, physicochemical variation, residue mobility, and thermodynamic stability) has been performed for this missense variant. However, the output from this modeling did not meet the statistical confidence thresholds required to predict the impact of this variant on ANK3 protein function. In summary, the available evidence is currently insufficient to determine the role of this variant in disease. Therefore, it has been classified as a Variant of Uncertain Significance.

Literature cited by the submitters: PubMed 38988293.

NM_020987.5(ANK3):c.3671C>T (p.Pro1224Leu)

Gene: ANK3 (ankyrin 3; minus strand). Cytogenetic location: 10q21.2.
Variant type: single nucleotide variant.
Coding change: c.3671C>T on transcript NM_020987.5 (MANE Select); coding-DNA position 3671, C replaced by T.
Protein change: p.Pro1224Leu; replaces proline 1224 with leucine.
Molecular consequence: missense variant.
Genome position (GRCh38, 1-based): chr10:60,086,754, G>A on the plus strand (C>T on the coding strand, the complement: ANK3 is on the minus strand). VCF-style: chr10-60086754-G-A. GRCh37 (hg19) VCF-style: chr10-61846512-G-A.
Other names: c.1073C>T, p.Pro358Leu (NM_001149.4); c.3653C>T, p.Pro1218Leu (NM_001204403.2); c.3674C>T, p.Pro1225Leu (NM_001204404.2); c.3671C>T, p.Pro1224Leu (NM_001320874.2); short protein forms P1225L, P1218L, P358L, P1224L.
Identifiers: ClinVar variation 4690777 (VCV004690777.1).